The following is an entry in ClinVar:

ClinVar aggregate classification (germline): Uncertain significance. Review status: criteria provided, multiple submitters, no conflicts (2 of 4 stars). 2 submissions from 2 submitters: Uncertain significance (2). Last evaluated 2026-08-27.

Conditions:
PKD1-related disorder. Also called: PKD1-related condition.
Polycystic kidney disease, adult type (PKD1). Also called: Polycystic Kidney Disease 1, Autosomal Dominant; Polycystic kidney disease 1; Polycystic kidney disease 1, severe; Polycystic Kidney, Autosomal Dominant; POLYCYSTIC KIDNEY DISEASE, ADULT, TYPE I; POLYCYSTIC KIDNEY DISEASE 1 WITH OR WITHOUT POLYCYSTIC LIVER DISEASE. Identifiers: MedGen C3149841, MONDO:0008263, OMIM 173900.

gnomAD v4.1: 5 of 1,597,802 alleles (0.00031%); highest among the groups gnomAD compares: Admixed American, 0.005%; no homozygotes.

Submissions (2):

PreventionGenetics, part of Exact Sciences
Classification: Uncertain significance for PKD1-related condition. Last evaluated: 2026-08-27. Review status: criteria provided, single submitter. Criteria: ACMG Guidelines, 2015. Collection method: clinical testing. Allele origin: germline.
Comment: The PKD1 c.10510C>T variant is predicted to result in the amino acid substitution p.Pro3504Ser. To our knowledge, this variant has not been reported in the literature. This variant is reported in 0.00095% of alleles in individuals of European (Non-Finnish) descent in gnomAD. At this time, the clinical significance of this variant is uncertain due to the absence of conclusive functional and genetic evidence.

Fulgent Genetics
Classification: Uncertain significance for Polycystic kidney disease, adult type. Last evaluated: 2024-04-30. Review status: criteria provided, single submitter. Criteria: ACMG Guidelines, 2015. Collection method: clinical testing. Allele origin: germline.

NM_001009944.3(PKD1):c.10510C>T (p.Pro3504Ser)

Genes: PKD1 (polycystin 1, transient receptor potential channel interacting; minus strand), PKD1-AS1 (PKD1 antisense RNA 1; plus strand). Cytogenetic location: 16p13.3.
Variant type: single nucleotide variant.
Coding change: c.10510C>T on transcript NM_001009944.3 (MANE Select); coding-DNA position 10510, C replaced by T.
Protein change: p.Pro3504Ser; replaces proline 3504 with serine.
Molecular consequence: missense variant.
Genome position (GRCh38, 1-based): chr16:2,094,200, G>A on the plus strand (C>T on the coding strand, the complement: PKD1 is on the minus strand). VCF-style: chr16-2094200-G-A. GRCh37 (hg19) VCF-style: chr16-2144201-G-A.
Other names: c.10507C>T, p.Pro3503Ser (NM_000296.4); short protein forms P3503S, P3504S.
Identifiers: ClinVar variation 3579017 (VCV003579017.2).